The following is an entry in ClinVar:

ClinVar aggregate classification (germline): Conflicting classifications of pathogenicity. Review status: criteria provided, conflicting classifications (1 of 4 stars). 2 submissions from 2 submitters: Uncertain significance (1); Likely benign (1). Last evaluated 2025-06-18.

Conditions:
Primary ciliary dyskinesia. Also called: Ciliary dyskinesia. Identifiers: Orphanet 244, MedGen C0008780, MONDO:0016575, HP:0012265.

Allele frequency attached by ClinVar (database versions not stated): ExAC 0.00001; gnomAD 0.00001; TOPMed 0.00001; gnomAD exomes 0.00002; ESP Exome Variant Server 0.00015.
gnomAD v4.1: 42 of 1,613,198 alleles (0.0026%); highest among the groups gnomAD compares: East Asian, 0.031%; no homozygotes.

Submissions (2):

Ambry Genetics
Classification: Likely benign for Primary ciliary dyskinesia. Last evaluated: 2025-06-18. Review status: criteria provided, single submitter. Criteria: Ambry Variant Classification Scheme 2023. Collection method: clinical testing. Allele origin: germline.

Labcorp Genetics (formerly Invitae), Labcorp
Classification: Uncertain significance for Primary ciliary dyskinesia. Last evaluated: 2022-08-17. Review status: criteria provided, single submitter. Criteria: Invitae Variant Classification Sherloc (09022015). Collection method: clinical testing. Allele origin: germline.
Comment: This sequence change replaces arginine, which is basic and polar, with glutamine, which is neutral and polar, at codon 314 of the DNAAF1 protein (p.Arg314Gln). This variant is present in population databases (rs374704486, gnomAD 0.02%). This variant has not been reported in the literature in individuals affected with DNAAF1-related conditions. ClinVar contains an entry for this variant (Variation ID: 644904). Algorithms developed to predict the effect of missense changes on protein structure and function output the following: SIFT: "Deleterious"; PolyPhen-2: "Benign"; Align-GVGD: "Class C0". The glutamine amino acid residue is found in multiple mammalian species, which suggests that this missense change does not adversely affect protein function. In summary, the available evidence is currently insufficient to determine the role of this variant in disease. Therefore, it has been classified as a Variant of Uncertain Significance.

NM_178452.6(DNAAF1):c.941G>A (p.Arg314Gln)

Gene: DNAAF1 (dynein axonemal assembly factor 1; plus strand). Cytogenetic location: 16q24.1.
Variant type: single nucleotide variant.
Coding change: c.941G>A on transcript NM_178452.6 (MANE Select); coding-DNA position 941, G replaced by A.
Protein change: p.Arg314Gln; replaces arginine 314 with glutamine.
Molecular consequence: missense variant.
Genome position (GRCh38, 1-based): chr16:84,165,860, G>A. VCF-style: chr16-84165860-G-A. GRCh37 (hg19) VCF-style: chr16-84199466-G-A.
Other names: c.185G>A, p.Arg62Gln (NM_001318756.1); short protein forms R314Q, R62Q.
Identifiers: ClinVar variation 644904 (VCV000644904.7), dbSNP rs374704486, ClinGen allele CA8202667.